The following is an entry in ClinVar:

NM_144643.4(SCLT1):c.1858A>G (p.Thr620Ala)

Gene: SCLT1 (sodium channel and clathrin linker 1; minus strand). Cytogenetic location: 4q28.2.
Variant type: single nucleotide variant.
Coding change: c.1858A>G on transcript NM_144643.4 (MANE Select); coding-DNA position 1858, A replaced by G.
Protein change: p.Thr620Ala; replaces threonine 620 with alanine.
Molecular consequence: missense variant.
Genome position (GRCh38, 1-based): chr4:128,891,109, T>C on the plus strand (A>G on the coding strand, the complement: SCLT1 is on the minus strand). VCF-style: chr4-128891109-T-C. GRCh37 (hg19) VCF-style: chr4-129812264-T-C.
Other names: short protein forms T620A.
Identifiers: ClinVar variation 4992960 (VCV004992960.1).

ClinVar aggregate classification (germline): Uncertain significance (1 of 4 stars; one submission).

Conditions:
SCLT1-related disorder. Also called: SCLT1-related condition.

Submission:

PreventionGenetics, part of Exact Sciences
Classification: Uncertain significance for SCLT1-related condition. Last evaluated: 2026-02-06. Review status: criteria provided, single submitter. Criteria: ACMG Guidelines, 2015. Collection method: clinical testing. Allele origin: germline.
Comment: The SCLT1 c.1858A>G variant is predicted to result in the amino acid substitution p.Thr620Ala. To our knowledge, this variant has not been reported in the literature or in a large population database (gnomAD), indicating this variant is rare. At this time, the clinical significance of this variant is uncertain due to the absence of conclusive functional and genetic evidence.